The following is an entry in ClinVar:

NM_206933.4(USH2A):c.11232-2A>G

Gene: USH2A (usherin; minus strand). Cytogenetic location: 1q41.
Variant type: single nucleotide variant.
Coding change: c.11232-2A>G on transcript NM_206933.4 (MANE Select); the canonical splice acceptor site of the intron before coding-DNA position 11232, A replaced by G.
Molecular consequence: splice acceptor variant.
Genome position (GRCh38, 1-based): chr1:215,758,754, T>C on the plus strand (A>G on the coding strand, the complement: USH2A is on the minus strand). VCF-style: chr1-215758754-T-C. GRCh37 (hg19) VCF-style: chr1-215932096-T-C.
Other names: c.11232-2A>G (NM_206933.2).
Identifiers: ClinVar variation 2679492 (VCV002679492.5), dbSNP rs2465089350, ClinGen allele CA344821416.
Genomic context (GRCh38, chr1:215,758,754, plus strand): 5'-TGTAATCATCACTAGCACTGCTGCCACCTCCAGTTTTGACTTCTAACTTGTAAGTGTATC[T>C]ATATTTAAAAAGAAAGAAGAATTGTGGTAAGGCCATGCACAAGAGACTTGAACAATGATT-3'

ClinVar aggregate classification (germline): Pathogenic/Likely pathogenic. Review status: criteria provided, multiple submitters, no conflicts (2 of 4 stars). 3 submissions from 3 submitters: Pathogenic (1); Likely pathogenic (2). Last evaluated 2025-03-21.

Conditions:
Retinitis pigmentosa 39 (RP39). Identifiers: Orphanet 791, MedGen C3151138, MONDO:0013436, OMIM 613809.
Usher syndrome type 2A. Also called: RETINAL DISEASE IN USHER SYNDROME TYPE IIA, MODIFIER OF; USHER SYNDROME, TYPE IIA. Identifiers: Orphanet 231178, Orphanet 886, MedGen C1848634, MONDO:0010169, OMIM 276901.

Allele frequency attached by ClinVar (database versions not stated): gnomAD exomes below 0.00001.
gnomAD v4.1: 3 of 1,613,686 alleles (0.00019%); highest among the groups gnomAD compares: Non-Finnish European, 0.00017%; no homozygotes.

Submissions (3):

Natera, Inc.
Classification: Pathogenic for Usher syndrome type 2A. Last evaluated: 2025-03-21. Review status: criteria provided, single submitter. Criteria: Natera Variant Classification Schema (03/2026). Collection method: clinical testing. Allele origin: germline.
Comment: The c.11232-2A>G variant in USH2A is a canonical splice acceptor site variant predicted to affect pre-mRNA splicing, which may result in an abnormal transcript and altered protein product. This variant is expected to result in nonsense mediated decay, truncation, or a dysfunctional protein product. This variant is rare in the general population with a frequency below the threshold expected for the associated phenotype(s). This variant has been observed in one or more individuals affected with the associated recessive disease, as either homozygous or compound heterozygous with a second variant (PMID: 39806488). Given the available evidence, this variant is classified as Pathogenic.

Labcorp Genetics (formerly Invitae), Labcorp
Classification: Likely pathogenic. Last evaluated: 2024-07-08. Review status: criteria provided, single submitter. Criteria: Invitae Variant Classification Sherloc (09022015). Collection method: clinical testing. Allele origin: germline.
Comment: This sequence change affects an acceptor splice site in intron 57 of the USH2A gene. It is expected to disrupt RNA splicing. Variants that disrupt the donor or acceptor splice site typically lead to a loss of protein function (PMID: 16199547), and loss-of-function variants in USH2A are known to be pathogenic (PMID: 10729113, 10909849, 20507924, 25649381). This variant is not present in population databases (gnomAD no frequency). This variant has not been reported in the literature in individuals affected with USH2A-related conditions. Algorithms developed to predict the effect of sequence changes on RNA splicing suggest that this variant may disrupt the consensus splice site. In summary, the currently available evidence indicates that the variant is pathogenic, but additional data are needed to prove that conclusively. Therefore, this variant has been classified as Likely Pathogenic.

Baylor Genetics
Classification: Likely pathogenic for Retinitis pigmentosa 39. Last evaluated: 2023-05-25. Review status: criteria provided, single submitter. Criteria: ACMG Guidelines, 2015. Collection method: clinical testing. Allele origin: unknown.

Literature cited by the submitters: PubMed 39806488 (cited by Natera, Inc.); PubMed 16199547 (cited by Labcorp Genetics (formerly Invitae), Labcorp); PubMed 10729113 (cited by Labcorp Genetics (formerly Invitae), Labcorp); PubMed 10909849 (cited by Labcorp Genetics (formerly Invitae), Labcorp); PubMed 20507924 (cited by Labcorp Genetics (formerly Invitae), Labcorp); PubMed 25649381 (cited by Labcorp Genetics (formerly Invitae), Labcorp).